The following is an entry in ClinVar:

ClinVar aggregate classification (germline): Uncertain significance (1 of 4 stars; one submission).

Submission:

GeneDx
Classification: Uncertain significance. Last evaluated: 2016-01-19. Review status: criteria provided, single submitter. Criteria: GeneDx Variant Classification (06012015). Collection method: clinical testing. Allele origin: germline. Affected: yes.
Comment: This variant is denoted STK11 c.1262_1263delGCinsAT at the cDNA level and p.Ser421Asn (S421N) at the protein level.The normal sequence, with the bases that are deleted in braces and inserted in brackets, is GCCA{GC}[AT]AGCA.This in frame deletion and insertion occurs on the same allele (in cis) and results in the missense change of a Serine to an Asparagine (AGC>AAT).This variant has not, to our knowledge, been published in the literature as pathogenic or benign.Neither STK11 c.1262_1263delGCinsAT nor STK11 Ser421Asn (by this or an alternate nucleotide change) was observed in approximately 5,400 individuals of European and African American ancestry in the NHLBI Exome Sequencing Project, suggesting it is not a common benign variant in these populations.Since Serine and Asparagine share similar properties, this is considered a conservative amino acid substitution.STK11 Ser421Asn occurs at a position that is not conserved and is located in the C-terminal domain (Hearle 2006).In silico analyses are inconsistent regarding the effect this variant may have on protein structure and function.Based on currently available information, we consider STK11 Ser421Asn to be a variant of uncertain significance.

NM_000455.5(STK11):c.1262_1263del (p.Ser421fs)

Gene: STK11 (serine/threonine kinase 11; plus strand). Cytogenetic location: 19p13.3.
Variant type: Deletion.
Coding change: c.1262_1263del on transcript NM_000455.5 (MANE Select); coding-DNA positions 1262 to 1263, 2 bases deleted (GC; older notation c.1262_1263delGC).
Protein change: p.Ser421fs; shifts the reading frame from serine 421.
Molecular consequence: frameshift variant.
Genome position (GRCh38, 1-based): chr19:1,226,607-1,226,608, GC deleted. VCF-style (leftmost placement, unchanged base first): chr19-1226606-AGC-A. GRCh37 (hg19) VCF-style: chr19-1226605-AGC-A.
Other names: c.1262_1263delGC (NM_000455.4); short protein forms S421fs.
Identifiers: ClinVar variation 234785 (VCV000234785.1), dbSNP rs876661216, ClinGen allele CA10577601.